The following is an entry in ClinVar:

NM_001042492.3(NF1):c.7602T>A (p.Thr2534=)

Gene: NF1 (neurofibromin 1; plus strand). Cytogenetic location: 17q11.2.
Variant type: single nucleotide variant.
Coding change: c.7602T>A on transcript NM_001042492.3 (MANE Select); coding-DNA position 7602, T replaced by A.
Protein change: p.Thr2534=; no amino-acid change (threonine 2534 retained).
Molecular consequence: synonymous variant.
Genome position (GRCh38, 1-based): chr17:31,352,401, T>A. VCF-style: chr17-31352401-T-A. GRCh37 (hg19) VCF-style: chr17-29679419-T-A.
Other names: c.7539T>A, p.Thr2513= (NM_000267.4).
Identifiers: ClinVar variation 4085779 (VCV004085779.8).

ClinVar aggregate classification (germline): Likely benign (1 of 4 stars; one submission).

Submission:

CeGaT Center for Human Genetics Tuebingen
Classification: Likely benign. Last evaluated: 2025-08-01. Review status: criteria provided, single submitter. Criteria: CeGaT Center For Human Genetics Tuebingen Variant Classification Criteria Version 2. Collection method: clinical testing. Allele origin: germline. Affected: yes. Observed: 1 variant allele.
Comment: NF1: PM2:Supporting, BP4, BP7